The following is an entry in ClinVar:

ClinVar aggregate classification (germline): Uncertain significance. Review status: criteria provided, multiple submitters, no conflicts (2 of 4 stars). 2 submissions from 2 submitters: Uncertain significance (2). Last evaluated 2021-10-31.

Conditions:
Brown-Vialetto-van Laere syndrome 2. Also called: SPINOCEREBELLAR ATAXIA WITH BLINDNESS AND DEAFNESS 2; Riboflavin transporter deficiency type 2. Identifiers: Orphanet 572543, Orphanet 97229, MedGen C3553538, MONDO:0013867, OMIM 614707.

Allele frequency attached by ClinVar (database versions not stated): TOPMed below 0.00001.

Submissions (2):

Labcorp Genetics (formerly Invitae), Labcorp
Classification: Uncertain significance for Brown-Vialetto-van Laere syndrome 2. Last evaluated: 2021-10-31. Review status: criteria provided, single submitter. Criteria: Invitae Variant Classification Sherloc (09022015). Collection method: clinical testing. Allele origin: germline.
Comment: This sequence change affects codon 367 of the SLC52A2 mRNA. It is a 'silent' change, meaning that it does not change the encoded amino acid sequence of the SLC52A2 protein. This variant is not present in population databases (gnomAD no frequency). This variant has not been reported in the literature in individuals affected with SLC52A2-related conditions. Algorithms developed to predict the effect of sequence changes on RNA splicing suggest that this variant may create or strengthen a splice site. In summary, the available evidence is currently insufficient to determine the role of this variant in disease. Therefore, it has been classified as a Variant of Uncertain Significance.

GeneDx
Classification: Uncertain significance. Last evaluated: 2019-05-01. Review status: criteria provided, single submitter. Criteria: GeneDx Variant Classification Process June 2021. Collection method: clinical testing. Allele origin: germline. Affected: yes.
Comment: Not observed in large population cohorts (Lek et al., 2016); In silico analysis, which includes splice predictors and evolutionary conservation, supports a deleterious effect; Has not been previously published as pathogenic or benign to our knowledge

NM_001363118.2(SLC52A2):c.1101C>T (p.Gly367=)

Gene: SLC52A2 (solute carrier family 52 member 2; plus strand). Cytogenetic location: 8q24.3.
Variant type: single nucleotide variant.
Coding change: c.1101C>T on transcript NM_001363118.2 (MANE Select); coding-DNA position 1101, C replaced by T.
Protein change: p.Gly367=; no amino-acid change (glycine 367 retained).
Molecular consequence: synonymous variant. On other transcripts: non-coding transcript variant (1).
Genome position (GRCh38, 1-based): chr8:144,360,689, C>T. VCF-style: chr8-144360689-C-T. GRCh37 (hg19) VCF-style: chr8-145584349-C-T.
Other names: c.1101C>T, p.Gly367= (NM_001253815.2, NM_001253816.2, NM_001363120.2 and 2 more transcripts); c.609C>T, p.Gly203= (NM_001363122.2).
Identifiers: ClinVar variation 1305526 (VCV001305526.7), dbSNP rs1818821746, ClinGen allele CA463550332.